The following is an entry in ClinVar:

NM_001242896.3(DEPDC5):c.4445T>C (p.Phe1482Ser)

Gene: DEPDC5 (DEP domain containing 5, GATOR1 subcomplex subunit; plus strand). Cytogenetic location: 22q12.3.
Variant type: single nucleotide variant.
Coding change: c.4445T>C on transcript NM_001242896.3 (MANE Select); coding-DNA position 4445, T replaced by C.
Protein change: p.Phe1482Ser; replaces phenylalanine 1482 with serine.
Molecular consequence: missense variant. On other transcripts: non-coding transcript variant (5).
Genome position (GRCh38, 1-based): chr22:31,905,992, T>C. VCF-style: chr22-31905992-T-C. GRCh37 (hg19) VCF-style: chr22-32301978-T-C.
Other names: c.4418T>C, p.Phe1473Ser (NM_001136029.4); c.4145T>C, p.Phe1382Ser (NM_001242897.2); c.4379T>C, p.Phe1460Ser (NM_001363852.2, NM_001364320.2); c.4211T>C, p.Phe1404Ser (NM_001363854.2, NM_001364319.2); c.4445T>C, p.Phe1482Ser (NM_001364318.2); c.4361T>C, p.Phe1454Ser (NM_001369901.1, NM_001369902.1); c.4352T>C, p.Phe1451Ser (NM_001369903.1, NM_014662.6); short protein forms F1482S, F1382S, F1404S, F1451S, F1460S, F1454S, F1473S.
Identifiers: ClinVar variation 1422916 (VCV001422916.6), dbSNP rs2149447579, ClinGen allele CA411291550.

ClinVar aggregate classification (germline): Uncertain significance (1 of 4 stars; one submission).

Conditions:
Familial focal epilepsy with variable foci (FPEVF). Identifiers: Orphanet 98820, MedGen C1858477, MONDO:0020310.

Submission:

Labcorp Genetics (formerly Invitae), Labcorp
Classification: Uncertain significance for Familial focal epilepsy with variable foci. Last evaluated: 2021-10-25. Review status: criteria provided, single submitter. Criteria: Invitae Variant Classification Sherloc (09022015). Collection method: clinical testing. Allele origin: germline.
Comment: This variant has not been reported in the literature in individuals affected with DEPDC5-related conditions. In summary, the available evidence is currently insufficient to determine the role of this variant in disease. Therefore, it has been classified as a Variant of Uncertain Significance. Algorithms developed to predict the effect of missense changes on protein structure and function are either unavailable or do not agree on the potential impact of this missense change (SIFT: "Deleterious"; PolyPhen-2: "Not Available"; Align-GVGD: "Class C65"). This variant is not present in population databases (ExAC no frequency). This sequence change replaces phenylalanine with serine at codon 1482 of the DEPDC5 protein (p.Phe1482Ser). The phenylalanine residue is highly conserved and there is a large physicochemical difference between phenylalanine and serine.